The following is an entry in ClinVar:

NM_001348716.2(KDM6B):c.1423C>T (p.Arg475Cys)

Gene: KDM6B (lysine demethylase 6B; plus strand). Cytogenetic location: 17p13.1.
Variant type: single nucleotide variant.
Coding change: c.1423C>T on transcript NM_001348716.2 (MANE Select); coding-DNA position 1423, C replaced by T.
Protein change: p.Arg475Cys; replaces arginine 475 with cysteine.
Molecular consequence: missense variant.
Genome position (GRCh38, 1-based): chr17:7,847,711, C>T. VCF-style: chr17-7847711-C-T. GRCh37 (hg19) VCF-style: chr17-7751029-C-T.
Other names: c.1423C>T, p.Arg475Cys (NM_001080424.2); short protein forms R475C.
Identifiers: ClinVar variation 5020538 (VCV005020538.1).

ClinVar aggregate classification (germline): Uncertain significance (1 of 4 stars; one submission).

gnomAD v4.1: 10 of 1,535,048 alleles (0.00065%); highest among the groups gnomAD compares: East Asian, 0.0049%; no homozygotes.

Submission:

Dasa
Classification: Uncertain significance. Last evaluated: 2026-05-19. Review status: criteria provided, single submitter. Criteria: DASA Assertion Criteria. Collection method: clinical testing. Allele origin: germline.
Comment: NM_001348716.2(KDM6B):c.1423C>T (p.Arg475Cys) is a missense variant that results in the substitution of arginine with cysteine. This variant is rare in population databases. Computational prediction algorithms are consistent with a benign effect. The currently available literature and clinical evidence are not sufficient to establish a definitive association between this variant and the reported condition. Therefore, this variant is classified as a variant of uncertain significance.